The following is an entry in ClinVar:

NM_001148.6(ANK2):c.5714C>T (p.Ser1905Leu)

Genes: ANK2 (ankyrin 2; plus strand), LOC126807136 (MED14-independent group 3 enhancer GRCh37_chr4:114274931-114276130; plus strand). Cytogenetic location: 4q26.
Variant type: single nucleotide variant.
Coding change: c.5714C>T on transcript NM_001148.6 (MANE Select); coding-DNA position 5714, C replaced by T.
Protein change: p.Ser1905Leu; replaces serine 1905 with leucine.
Molecular consequence: missense variant. On other transcripts: intron variant (68).
Genome position (GRCh38, 1-based): chr4:113,354,332, C>T. VCF-style: chr4-113354332-C-T. GRCh37 (hg19) VCF-style: chr4-114275488-C-T.
Other names: c.4363+4083C>T (NM_001386143.1, NM_001354243.2, NM_001354255.2); c.4264+4083C>T (NM_001354262.2, NM_001354275.2, NM_001354245.2); c.4201+4083C>T (NM_001354253.2, NM_001354270.2); c.4165+4083C>T (NM_001354257.2, NM_001386156.1); c.4240+4083C>T (NM_001354249.2, NM_001354266.2, NM_001354276.2 and 2 more transcripts); c.4207+4083C>T (NM_001386146.1, NM_001386150.1, NM_001386149.1 and 1 more transcripts); c.4375+4083C>T (NM_001354254.2); c.4396+4083C>T (NM_001354239.2, NM_001354252.2); and 35 more; short protein forms S1827L, S1905L, S1944L, S1952L, S705L.
Identifiers: ClinVar variation 3621695 (VCV003621695.3).
Genomic context (GRCh38, chr4:113,354,332, plus strand): 5'-CAAAAACTGAAAGGCACTCTCCTGTGTCATCTACAAAAACAGAAAGACACCCACCTGTTT[C>T]GCCTTCAGGCAAAACAGACAAACGTCCACCTGTATCGCCCTCCGGGAGGACAGAAAAACA-3'
Protein context (NP_001139.3, residues 1895-1915): STKTERHPPV[Ser1905Leu]PSGKTDKRPP

ClinVar aggregate classification (germline): Uncertain significance. Review status: criteria provided, multiple submitters, no conflicts (2 of 4 stars). 2 submissions from 2 submitters: Uncertain significance (2). Last evaluated 2025-08-21.

Conditions:
Long QT syndrome (LQTS). Identifiers: MedGen C0023976, MeSH D008133, MONDO:0002442. Disease mechanism: loss of function. Inheritance: Various modes of inheritance.
Cardiovascular phenotype. Identifiers: MedGen CN230736.

gnomAD v4.1: 17 of 1,614,046 alleles (0.0011%); highest among the groups gnomAD compares: African/African-American, 0.0093%; no homozygotes.

Submissions (2):

Ambry Genetics
Classification: Uncertain significance for Cardiovascular phenotype. Last evaluated: 2025-08-21. Review status: criteria provided, single submitter. Criteria: Ambry Variant Classification Scheme 2023. Collection method: clinical testing. Allele origin: germline.

Labcorp Genetics (formerly Invitae), Labcorp
Classification: Uncertain significance for Long QT syndrome. Last evaluated: 2024-12-30. Review status: criteria provided, single submitter. Criteria: Invitae Variant Classification Sherloc (09022015). Collection method: clinical testing. Allele origin: germline.
Comment: This sequence change replaces serine, which is neutral and polar, with leucine, which is neutral and non-polar, at codon 1905 of the ANK2 protein (p.Ser1905Leu). This variant is present in population databases (rs368566123, gnomAD 0.008%). This variant has not been reported in the literature in individuals affected with ANK2-related conditions. Invitae Evidence Modeling of protein sequence and biophysical properties (such as structural, functional, and spatial information, amino acid conservation, physicochemical variation, residue mobility, and thermodynamic stability) indicates that this missense variant is not expected to disrupt ANK2 protein function with a negative predictive value of 80%. In summary, the available evidence is currently insufficient to determine the role of this variant in disease. Therefore, it has been classified as a Variant of Uncertain Significance.